The following is an entry in ClinVar:

ClinVar aggregate classification (germline): Likely benign (0 of 4 stars; one submission).

Conditions:
IFT172-related disorder. Also called: IFT172-related disorders; IFT172-related condition.

Submission:

PreventionGenetics, part of Exact Sciences
Classification: Likely benign for IFT172-related condition. Last evaluated: 2020-10-26. Review status: no assertion criteria provided. Collection method: clinical testing. Allele origin: germline.
Comment: This variant is classified as likely benign based on ACMG/AMP sequence variant interpretation guidelines (Richards et al. 2015 PMID: 25741868, with internal and published modifications).

NM_015662.3(IFT172):c.2442+7T>G

Gene: IFT172 (intraflagellar transport 172; minus strand). Cytogenetic location: 2p23.3.
Variant type: single nucleotide variant.
Coding change: c.2442+7T>G on transcript NM_015662.3 (MANE Select); 7 bases into the intron after coding-DNA position 2442, T replaced by G.
Molecular consequence: intron variant.
Genome position (GRCh38, 1-based): chr2:27,461,262, A>C on the plus strand (T>G on the coding strand, the complement: IFT172 is on the minus strand). VCF-style: chr2-27461262-A-C. GRCh37 (hg19) VCF-style: chr2-27684129-A-C.
Other names: c.2376+7T>G (NM_001410739.1).
Identifiers: ClinVar variation 3350702 (VCV003350702.1).